The following is an entry in ClinVar:

ClinVar aggregate classification (germline): Uncertain significance (1 of 4 stars; one submission).

Conditions:
Hermansky-Pudlak syndrome 1 (HPS1). Also called: DELTA STORAGE POOL DISEASE. Identifiers: Orphanet 231500, Orphanet 79430, MedGen C2931875, MONDO:0008748, OMIM 203300.

Submission:

Diagnostics Services (NGS), CSIR - Centre For Cellular And Molecular Biology
Classification: Uncertain significance for Hermansky-Pudlak syndrome 1. Last evaluated: 2026-02-13. Review status: criteria provided, single submitter. Criteria: ACMG Guidelines, 2015. Collection method: clinical testing. Allele origin: germline. Affected: yes. Observed: 1 variant allele, 1 homozygote.
Comment: The c.208A>C variant is not present in publicly available population databases like 1000 Genomes, EVS, gnomAD, Indian Exome Database or in our internal database. This variant has neither been published in the literature for HPS1-related conditions nor reported to clinical databases like Human Genome Mutation Database (HGMD), ClinVar or OMIM in any affected individuals. In-silico pathogenicity prediction programs like Polyphen-2, MutationTaster2, CADD, etc predicted this variant to be likely deleterious, however these predictions were not confirmed by published functional studies.

NM_000195.5(HPS1):c.208A>C (p.Thr70Pro)

Gene: HPS1 (HPS1 biogenesis of lysosomal organelles complex 3 subunit 1; minus strand). Cytogenetic location: 10q24.2.
Variant type: single nucleotide variant.
Coding change: c.208A>C on transcript NM_000195.5 (MANE Select); coding-DNA position 208, A replaced by C.
Protein change: p.Thr70Pro; replaces threonine 70 with proline.
Molecular consequence: missense variant. On other transcripts: 5 prime UTR variant (6).
Genome position (GRCh38, 1-based): chr10:98,435,682, T>G on the plus strand (A>C on the coding strand, the complement: HPS1 is on the minus strand). VCF-style: chr10-98435682-T-G. GRCh37 (hg19) VCF-style: chr10-100195439-T-G.
Other names: c.-19A>C (NM_001322484.2, NM_001322485.2, NM_001322483.2); c.-808A>C (NM_001322487.2); c.-566A>C (NM_001322489.2); c.208A>C, p.Thr70Pro (NM_001322490.2, NM_001322491.2, NM_001322492.2 and 8 more transcripts); c.-709A>C (NM_001311345.2); short protein forms T70P.
Identifiers: ClinVar variation 4849694 (VCV004849694.1).